The following is an entry in ClinVar:

ClinVar aggregate classification (germline): Uncertain significance. Review status: criteria provided, multiple submitters, no conflicts (2 of 4 stars). 2 submissions from 2 submitters: Uncertain significance (2). Last evaluated 2025-10-17.

Conditions:
Inborn genetic diseases. Identifiers: MedGen C0950123, MeSH D030342.

gnomAD v4.1: 10 of 1,614,020 alleles (0.00062%); highest among the groups gnomAD compares: Admixed American, 0.017%; no homozygotes.

Submissions (2):

Labcorp Genetics (formerly Invitae), Labcorp
Classification: Uncertain significance. Last evaluated: 2025-10-17. Review status: criteria provided, single submitter. Criteria: Invitae Variant Classification Sherloc (09022015). Collection method: clinical testing. Allele origin: germline.
Comment: This sequence change replaces lysine, which is basic and polar, with threonine, which is neutral and polar, at codon 469 of the FAT1 protein (p.Lys469Thr). This variant is present in population databases (rs187074121, gnomAD 0.009%). This variant has not been reported in the literature in individuals affected with FAT1-related conditions. An algorithm developed to predict the effect of missense changes on protein structure and function (PolyPhen-2) suggests that this variant is likely to be tolerated. In summary, the available evidence is currently insufficient to determine the role of this variant in disease. Therefore, it has been classified as a Variant of Uncertain Significance.

Ambry Genetics
Classification: Uncertain significance for Inborn genetic diseases. Last evaluated: 2025-06-18. Review status: criteria provided, single submitter. Criteria: Ambry Variant Classification Scheme 2023. Collection method: clinical testing. Allele origin: germline.

NM_005245.4(FAT1):c.1406A>C (p.Lys469Thr)

Gene: FAT1 (FAT atypical cadherin 1; minus strand). Cytogenetic location: 4q35.2.
Variant type: single nucleotide variant.
Coding change: c.1406A>C on transcript NM_005245.4 (MANE Select); coding-DNA position 1406, A replaced by C.
Protein change: p.Lys469Thr; replaces lysine 469 with threonine.
Molecular consequence: missense variant.
Genome position (GRCh38, 1-based): chr4:186,708,422, T>G on the plus strand (A>C on the coding strand, the complement: FAT1 is on the minus strand). VCF-style: chr4-186708422-T-G. GRCh37 (hg19) VCF-style: chr4-187629576-T-G.
Other names: c.1406A>C, p.Lys469Thr (NM_001440455.1, NM_001440456.1, NM_001440457.1); short protein forms K469T.
Identifiers: ClinVar variation 4255043 (VCV004255043.2).